The following is an entry in ClinVar:

ClinVar aggregate classification (germline): Likely benign. Review status: criteria provided, multiple submitters, no conflicts (2 of 4 stars). 5 submissions from 5 submitters: Likely benign (5). Last evaluated 2026-01-31.

Conditions:
ABCA1-related disorder. Also called: ABCA1-related disorders; ABCA1-related condition. Identifiers: MedGen CN239173.
Cardiovascular phenotype. Identifiers: MedGen CN230736.

Allele frequency attached by ClinVar (database versions not stated): gnomAD exomes 0.00007 and 0.00022; ExAC 0.00034; TOPMed 0.00103; gnomAD 0.00105 and 0.00109; ESP Exome Variant Server 0.00123; 1000 Genomes Project 0.00160; 1000 Genomes Project 30x 0.00203.
gnomAD v4.1: 265 of 1,614,056 alleles (0.016%); highest among the groups gnomAD compares: African/African-American, 0.33%; 1 homozygote.

Submissions (5):

Labcorp Genetics (formerly Invitae), Labcorp
Classification: Likely benign. Last evaluated: 2026-01-31. Review status: criteria provided, single submitter. Criteria: Invitae Variant Classification Sherloc (09022015). Collection method: clinical testing. Allele origin: germline.

Ambry Genetics
Classification: Likely benign for Cardiovascular phenotype. Last evaluated: 2025-04-18. Review status: criteria provided, single submitter. Criteria: Ambry Variant Classification Scheme 2023. Collection method: clinical testing. Allele origin: germline.

PreventionGenetics, part of Exact Sciences
Classification: Likely benign for ABCA1-related condition. Last evaluated: 2025-03-20. Review status: criteria provided, single submitter. Criteria: ACMG Guidelines, 2015. Collection method: clinical testing. Allele origin: germline.
Comment: This variant is classified as likely benign based on ACMG/AMP sequence variant interpretation guidelines (Richards et al. 2015 PMID: 25741868, with internal and published modifications).

Women's Health and Genetics/Laboratory Corporation of America, LabCorp
Classification: Likely benign. Last evaluated: 2024-08-06. Review status: criteria provided, single submitter. Criteria: LabCorp Variant Classification Summary - May 2015. Collection method: clinical testing. Allele origin: germline.
Comment: Variant summary: ABCA1 c.3763A>C (p.Ser1255Arg) results in a non-conservative amino acid change in the encoded protein sequence. Three of five in-silico tools predict a benign effect of the variant on protein function. The variant allele was found at a frequency of 0.00022 in 251462 control chromosomes, predominantly at a frequency of 0.0032 within the African or African-American subpopulation in the gnomAD database. The observed variant frequency within African or African-American control individuals in the gnomAD database is approximately 1.5 fold of the estimated maximal expected allele frequency for a pathogenic variant in ABCA1 causing Tangier Disease phenotype (0.0025). To our knowledge, no occurrence of c.3763A>C in individuals affected with Tangier Disease and no experimental evidence demonstrating its impact on protein function have been reported. ClinVar contains an entry for this variant (Variation ID: 713117). Based on the evidence outlined above, the variant was classified as likely benign.

GeneDx
Classification: Likely benign. Last evaluated: 2020-02-24. Review status: criteria provided, single submitter. Criteria: GeneDx Variant Classification Process June 2021. Collection method: clinical testing. Allele origin: germline. Affected: yes.
Comment: See Variant Classification Assertion Criteria.

NM_005502.4(ABCA1):c.3763A>C (p.Ser1255Arg)

Gene: ABCA1 (ATP binding cassette subfamily A member 1; minus strand). Cytogenetic location: 9q31.1.
Variant type: single nucleotide variant.
Coding change: c.3763A>C on transcript NM_005502.4 (MANE Select); coding-DNA position 3763, A replaced by C.
Protein change: p.Ser1255Arg; replaces serine 1255 with arginine.
Molecular consequence: missense variant.
Genome position (GRCh38, 1-based): chr9:104,814,451, T>G on the plus strand (A>C on the coding strand, the complement: ABCA1 is on the minus strand). VCF-style: chr9-104814451-T-G. GRCh37 (hg19) VCF-style: chr9-107576732-T-G.
Other names: short protein forms S1255R.
Identifiers: ClinVar variation 713117 (VCV000713117.14), dbSNP rs41436749, ClinGen allele CA5168342.
Genomic context (GRCh38, chr9:104,814,451, plus strand): 5'-TATCTTAAGTGTGCCATTCTCCCTCAAGGCAGTTACCTGAGGTCTCAGCATCCACCCCAC[T>G]CTCTTCGGCCACCTTGAGGAATATCTGGAAAATGAGAGAGATGAGAACATTATAAGCACC-3'
Protein context (NP_005493.2, residues 1245-1265): EEIFLKVAEE[Ser1255Arg]GVDAETSDGT